The following is an entry in ClinVar:

NM_015705.6(SGSM3):c.51G>A (p.Pro17=)

Gene: SGSM3 (small G protein signaling modulator 3; plus strand). Cytogenetic location: 22q13.1.
Variant type: single nucleotide variant.
Coding change: c.51G>A on transcript NM_015705.6 (MANE Select); coding-DNA position 51, G replaced by A.
Protein change: p.Pro17=; no amino-acid change (proline 17 retained).
Molecular consequence: synonymous variant. On other transcripts: 5 prime UTR variant (2), non-coding transcript variant (2), intron variant (6).
Genome position (GRCh38, 1-based): chr22:40,401,636, G>A. VCF-style: chr22-40401636-G-A. GRCh37 (hg19) VCF-style: chr22-40797640-G-A.
Other names: c.51G>A, p.Pro17= (NM_001350039.2, NM_001350040.2, NM_001350041.2); c.-77G>A (NM_001350042.2, NM_001350045.2); c.-455-503G>A (NM_001350048.2); c.-111-503G>A (NM_001350043.2, NM_001350046.2, NM_001350047.2); c.-37-503G>A (NM_001350044.2, NM_001301849.2).
Identifiers: ClinVar variation 5038942 (VCV005038942.1).

ClinVar aggregate classification (germline): Likely benign (1 of 4 stars; one submission).

gnomAD v4.1: 26 of 1,613,440 alleles (0.0016%); highest among the groups gnomAD compares: South Asian, 0.0088%; no homozygotes.

Submission:

CeGaT Center for Human Genetics Tuebingen
Classification: Likely benign. Last evaluated: 2026-08-01. Review status: criteria provided, single submitter. Criteria: CeGaT Center For Human Genetics Tuebingen Variant Classification Criteria Version 2. Collection method: clinical testing. Allele origin: germline. Affected: yes. Observed: 1 variant allele.
Comment: SGSM3: BP4, BP7